The following is an entry in ClinVar:

NM_006005.3(WFS1):c.1652C>T (p.Ser551Phe)

Gene: WFS1 (wolframin ER transmembrane glycoprotein; plus strand). Cytogenetic location: 4p16.1.
Variant type: single nucleotide variant.
Coding change: c.1652C>T on transcript NM_006005.3 (MANE Select); coding-DNA position 1652, C replaced by T.
Protein change: p.Ser551Phe; replaces serine 551 with phenylalanine.
Molecular consequence: missense variant.
Genome position (GRCh38, 1-based): chr4:6,301,447, C>T. VCF-style: chr4-6301447-C-T. GRCh37 (hg19) VCF-style: chr4-6303174-C-T.
Other names: c.1652C>T, p.Ser551Phe (NM_001145853.1); short protein forms S551F.
Identifiers: ClinVar variation 2110404 (VCV002110404.4), dbSNP rs2474194427, ClinGen allele CA356176417.
Genomic context (GRCh38, chr4:6,301,447, plus strand): 5'-TTGTGCCCTACCTGGTGTGCTTCATGTGGTGTGAGCTCTCCGTGGTCATCCTGCTGGAGT[C>T]CACCGGCCTGGGGCTGCTCCGCGCCTCCATCGGCTACTTCCTCTTCCTCTTTGCCCTCCC-3'
Protein context (NP_005996.2, residues 541-561): CELSVVILLE[Ser551Phe]TGLGLLRASI

ClinVar aggregate classification (germline): Uncertain significance (1 of 4 stars; one submission).

Submission:

Labcorp Genetics (formerly Invitae), Labcorp
Classification: Uncertain significance. Last evaluated: 2025-02-03. Review status: criteria provided, single submitter. Criteria: Invitae Variant Classification Sherloc (09022015). Collection method: clinical testing. Allele origin: germline.
Comment: This sequence change replaces serine, which is neutral and polar, with phenylalanine, which is neutral and non-polar, at codon 551 of the WFS1 protein (p.Ser551Phe). This variant is not present in population databases (gnomAD no frequency). This variant has not been reported in the literature in individuals affected with WFS1-related conditions. ClinVar contains an entry for this variant (Variation ID: 2110404). Invitae Evidence Modeling of protein sequence and biophysical properties (such as structural, functional, and spatial information, amino acid conservation, physicochemical variation, residue mobility, and thermodynamic stability) has been performed for this missense variant. However, the output from this modeling did not meet the statistical confidence thresholds required to predict the impact of this variant on WFS1 protein function. In summary, the available evidence is currently insufficient to determine the role of this variant in disease. Therefore, it has been classified as a Variant of Uncertain Significance.